The following is an entry in ClinVar:

NM_000444.6(PHEX):c.1009G>A (p.Glu337Lys)

Gene: PHEX (phosphate regulating endopeptidase X-linked; plus strand). Cytogenetic location: Xp22.11.
Variant type: single nucleotide variant.
Coding change: c.1009G>A on transcript NM_000444.6 (MANE Select); coding-DNA position 1009, G replaced by A.
Protein change: p.Glu337Lys; replaces glutamic acid 337 with lysine.
Molecular consequence: missense variant.
Genome position (GRCh38, 1-based): chrX:22,099,081, G>A. VCF-style: chrX-22099081-G-A. GRCh37 (hg19) VCF-style: chrX-22117199-G-A.
Other names: c.1009G>A, p.Glu337Lys (NM_001282754.2); short protein forms E337K.
Identifiers: ClinVar variation 3603776 (VCV003603776.3).

ClinVar aggregate classification (germline): Uncertain significance. Review status: criteria provided, multiple submitters, no conflicts (2 of 4 stars). 2 submissions from 2 submitters: Uncertain significance (2). Last evaluated 2025-06-12.

gnomAD v4.1: 12 of 1,205,780 alleles (0.001%); highest among the groups gnomAD compares: Middle Eastern, 0.023%; no homozygotes.

Submissions (2):

Labcorp Genetics (formerly Invitae), Labcorp
Classification: Uncertain significance. Last evaluated: 2025-06-12. Review status: criteria provided, single submitter. Criteria: Invitae Variant Classification Sherloc (09022015). Collection method: clinical testing. Allele origin: germline.
Comment: This sequence change replaces glutamic acid, which is acidic and polar, with lysine, which is basic and polar, at codon 337 of the PHEX protein (p.Glu337Lys). This variant is present in population databases (rs770491624, gnomAD 0.005%). This variant has not been reported in the literature in individuals affected with PHEX-related conditions. ClinVar contains an entry for this variant (Variation ID: 3603776). Invitae Evidence Modeling of protein sequence and biophysical properties (such as structural, functional, and spatial information, amino acid conservation, physicochemical variation, residue mobility, and thermodynamic stability) has been performed for this missense variant. However, the output from this modeling did not meet the statistical confidence thresholds required to predict the impact of this variant on PHEX protein function. In summary, the available evidence is currently insufficient to determine the role of this variant in disease. Therefore, it has been classified as a Variant of Uncertain Significance.

Blueprint Genetics
Classification: Uncertain significance. Last evaluated: 2022-05-05. Review status: criteria provided, single submitter. Criteria: ACMG Guidelines, 2015. Collection method: clinical testing. Allele origin: germline.